The following is an entry in ClinVar:

ClinVar aggregate classification (germline): Benign/Likely benign. Review status: criteria provided, multiple submitters, no conflicts (2 of 4 stars). 11 submissions from 11 submitters: Benign (7); Likely benign (1). 3 of the submissions do not count toward it. Last evaluated 2026-02-04.

Conditions:
Donnai-Barrow syndrome. Also called: FACIOOCULOACOUSTICORENAL SYNDROME; DBS/FOAR SYNDROME. Identifiers: Orphanet 2143, MedGen C1857277, MONDO:0009104, OMIM 222448.

Allele frequency attached by ClinVar (database versions not stated): 1000 Genomes Project 30x 0.55481; 1000 Genomes Project 0.55950; TOPMed 0.58848; gnomAD 0.59977 and 0.60694; ESP Exome Variant Server 0.60134; ExAC 0.68389; gnomAD exomes 0.69148 and 0.72991.
gnomAD v4.1: 1,154,972 of 1,610,642 alleles (72%); highest among the groups gnomAD compares: South Asian, 77%; 424,223 homozygotes.

Submissions (11):

Labcorp Genetics (formerly Invitae), Labcorp
Classification: Benign. Last evaluated: 2026-02-04. Review status: criteria provided, single submitter. Criteria: Invitae Variant Classification Sherloc (09022015). Collection method: clinical testing. Allele origin: germline.

Blueprint Genetics
Classification: Likely benign. Last evaluated: 2024-11-26. Review status: criteria provided, single submitter. Criteria: ACMG Guidelines, 2015. Collection method: clinical testing. Allele origin: germline.

Mayo Clinic Laboratories, Mayo Clinic
Classification: Benign. Last evaluated: 2022-11-10. Review status: criteria provided, single submitter. Criteria: ACMG Guidelines, 2015. Collection method: clinical testing. Allele origin: germline. Observed: 111 variant alleles.

Genome-Nilou Lab
Classification: Benign for Donnai-Barrow syndrome. Last evaluated: 2021-08-19. Review status: criteria provided, single submitter. Criteria: ACMG Guidelines, 2015. Collection method: clinical testing. Allele origin: germline. Affected: no.

Illumina Laboratory Services, Illumina
Classification: Benign for Donnai-Barrow syndrome. Last evaluated: 2018-01-13. Review status: criteria provided, single submitter. Criteria: ICSL Variant Classification Criteria 13 December 2019. Collection method: clinical testing. Allele origin: germline.
Comment: This variant was observed in the ICSL laboratory as part of a predisposition screen in an ostensibly healthy population. It had not been previously curated by ICSL or reported in the Human Gene Mutation Database (HGMD: prior to June 1st, 2018), and was therefore a candidate for classification through an automated scoring system. Utilizing variant allele frequency, disease prevalence and penetrance estimates, and inheritance mode, an automated score was calculated to assess if this variant is too frequent to cause the disease. Based on the score and internal cut-off values, a variant classified as benign is not then subjected to further curation. The score for this variant resulted in a classification of benign for this disease.

GeneDx
Classification: Benign. Last evaluated: 2015-03-03. Review status: criteria provided, single submitter. Criteria: GeneDx Variant Classification Process June 2021. Collection method: clinical testing. Allele origin: germline. Affected: yes.

Breakthrough Genomics
Classification: Benign. Review status: criteria provided, single submitter. Criteria: ACMG Guidelines, 2015. Collection method: not provided. Allele origin: germline. Inheritance: Autosomal recessive inheritance. Affected: yes.

PreventionGenetics, part of Exact Sciences
Classification: Benign. Review status: criteria provided, single submitter. Criteria: ACMG Guidelines, 2015. Collection method: clinical testing. Allele origin: germline.

Diagnostic Laboratory, Department of Genetics, University Medical Center Groningen
Classification: Benign. Review status: no assertion criteria provided. Collection method: clinical testing. Allele origin: germline. Affected: yes. Study: VKGL Data-share Consensus. Not counted in ClinVar's aggregate classification.

Genetic Services Laboratory, University of Chicago
Classification: Likely benign for AllHighlyPenetrant. Review status: no assertion criteria provided. Collection method: clinical testing. Allele origin: germline. Inheritance: Autosomal recessive inheritance. Not counted in ClinVar's aggregate classification.
Comment: Likely benign based on allele frequency in 1000 Genomes Project or ESP global frequency and its presence in a patient with a rare or unrelated disease phenotype. NOT Sanger confirmed.

Joint Genome Diagnostic Labs from Nijmegen and Maastricht, Radboudumc and MUMC+
Classification: Benign. Review status: no assertion criteria provided. Collection method: clinical testing. Allele origin: germline. Affected: yes. Study: VKGL Data-share Consensus. Not counted in ClinVar's aggregate classification.

NM_004525.3(LRP2):c.13113C>T (p.Ile4371=)

Gene: LRP2 (LDL receptor related protein 2; minus strand). Cytogenetic location: 2q31.1.
Variant type: single nucleotide variant.
Coding change: c.13113C>T on transcript NM_004525.3 (MANE Select); coding-DNA position 13113, C replaced by T.
Protein change: p.Ile4371=; no amino-acid change (isoleucine 4371 retained).
Molecular consequence: synonymous variant.
Genome position (GRCh38, 1-based): chr2:169,140,541, G>A on the plus strand (C>T on the coding strand, the complement: LRP2 is on the minus strand). VCF-style: chr2-169140541-G-A. GRCh37 (hg19) VCF-style: chr2-169997051-G-A.
Other names: p.Ile4371=.
Identifiers: ClinVar variation 129502 (VCV000129502.31), dbSNP rs990626, ClinGen allele CA153552.
Genomic context (GRCh38, chr2:169,140,541, plus strand): 5'-AAAATAGCAATTTCCTCCGTGCATGCACCTGCATGGGGGGGGCAGGTTGATAGGCAGTTC[G>A]ATGGCTGCAGGAAGGGAAAGCCATGCAGGTGTTAGTCAGCTGTACTCAGCAGAGTGCCCA-3'
Protein context (NP_004516.2, residues 4361-4381): EGSTTECDAA[Ile4371=]ELPINLPPPC